The following is an entry in ClinVar:

NM_000077.5(CDKN2A):c.464C>G (p.Pro155Arg)

Gene: CDKN2A (cyclin dependent kinase inhibitor 2A; minus strand). Cytogenetic location: 9p21.3.
Variant type: single nucleotide variant.
Coding change: c.464C>G on transcript NM_000077.5; coding-DNA position 464, C replaced by G.
Protein change: p.Pro155Arg; replaces proline 155 with arginine.
Molecular consequence: missense variant (on NM_000077.6). On other transcripts: 3 prime UTR variant (3).
Genome position (GRCh38, 1-based): chr9:21,968,236, G>C on the plus strand (C>G on the coding strand, the complement: CDKN2A is on the minus strand). VCF-style: chr9-21968236-G-C. GRCh37 (hg19) VCF-style: chr9-21968235-G-C.
Other names: c.464C>G, p.Pro155Arg (NM_000077.6); c.*157C>G (NM_001195132.2); c.311C>G, p.Pro104Arg (NM_001363763.2); c.*108C>G (NM_058195.4); c.*387C>G (NM_058197.5); short protein forms P155R, P104R.
Identifiers: ClinVar variation 859084 (VCV000859084.12), dbSNP rs1162344499, ClinGen allele CA373085067.

ClinVar aggregate classification (germline): Uncertain significance. Review status: criteria provided, multiple submitters, no conflicts (2 of 4 stars). 2 submissions from 2 submitters: Uncertain significance (2). Last evaluated 2023-11-08.

Conditions:
Familial melanoma. Also called: Hereditary melanoma; Hereditary cutaneous melanoma. Identifiers: Orphanet 618, MedGen C1512419, MONDO:0018961.
Hereditary cancer-predisposing syndrome. Also called: Neoplastic Syndromes, Hereditary; Tumor predisposition; Hereditary Cancer Syndrome; Hereditary neoplastic syndrome. Identifiers: Orphanet 140162, MedGen C0027672, MeSH D009386, MONDO:0015356.

Allele frequency attached by ClinVar (database versions not stated): TOPMed below 0.00001.

Submissions (2):

Labcorp Genetics (formerly Invitae), Labcorp
Classification: Uncertain significance for Familial melanoma. Last evaluated: 2023-11-08. Review status: criteria provided, single submitter. Criteria: Invitae Variant Classification Sherloc (09022015). Collection method: clinical testing. Allele origin: germline.
Comment: This sequence change replaces proline, which is neutral and non-polar, with arginine, which is basic and polar, at codon 155 of the CDKN2A (p16INK4a) protein (p.Pro155Arg). This variant is not present in population databases (gnomAD no frequency). This variant has not been reported in the literature in individuals affected with CDKN2A (p16INK4a)-related conditions. ClinVar contains an entry for this variant (Variation ID: 859084). An algorithm developed to predict the effect of missense changes on protein structure and function (PolyPhen-2) suggests that this variant is likely to be tolerated. In summary, the available evidence is currently insufficient to determine the role of this variant in disease. Therefore, it has been classified as a Variant of Uncertain Significance.

Ambry Genetics
Classification: Uncertain significance for Hereditary cancer-predisposing syndrome. Last evaluated: 2022-05-24. Review status: criteria provided, single submitter. Criteria: Ambry Variant Classification Scheme 2023. Collection method: clinical testing. Allele origin: germline.
Comment: The p.P155R variant (also known as c.464C>G), located in coding exon 3 of the CDKN2A gene, results from a C to G substitution at nucleotide position 464. The proline at codon 155 is replaced by arginine, an amino acid with dissimilar properties. This amino acid position is not well conserved in available vertebrate species. In addition, this alteration is predicted to be tolerated by in silico analysis. Since supporting evidence is limited at this time, the clinical significance of this alteration remains unclear.